The following is an entry in ClinVar:

NM_000080.4(CHRNE):c.1006C>T (p.His336Tyr)

Gene: CHRNE (cholinergic receptor nicotinic epsilon subunit; minus strand). Cytogenetic location: 17p13.2.
Variant type: single nucleotide variant.
Coding change: c.1006C>T on transcript NM_000080.4 (MANE Select); coding-DNA position 1006, C replaced by T.
Protein change: p.His336Tyr; replaces histidine 336 with tyrosine.
Molecular consequence: missense variant.
Genome position (GRCh38, 1-based): chr17:4,899,494, G>A on the plus strand (C>T on the coding strand, the complement: CHRNE is on the minus strand). VCF-style: chr17-4899494-G-A. GRCh37 (hg19) VCF-style: chr17-4802789-G-A.
Other names: short protein forms H336Y.
Identifiers: ClinVar variation 1910427 (VCV001910427.5), dbSNP rs144747573, ClinGen allele CA397300850.

ClinVar aggregate classification (germline): Uncertain significance (1 of 4 stars; one submission).

Conditions:
Congenital myasthenic syndrome 4A. Also called: Myasthenic syndrome, congenital, 4a, slow-channel; CONGENITAL MYASTHENIC SYNDROME TYPE Ia1; MYASTHENIC SYNDROME, CONGENITAL, 4A, SLOW-CHANNEL, AUTOSOMAL RECESSIVE. Identifiers: Orphanet 590, MedGen C4225413, MONDO:0011600, OMIM 605809.

Submission:

Labcorp Genetics (formerly Invitae), Labcorp
Classification: Uncertain significance for Congenital myasthenic syndrome 4A. Last evaluated: 2021-12-17. Review status: criteria provided, single submitter. Criteria: Invitae Variant Classification Sherloc (09022015). Collection method: clinical testing. Allele origin: germline.
Comment: In summary, the available evidence is currently insufficient to determine the role of this variant in disease. Therefore, it has been classified as a Variant of Uncertain Significance. Algorithms developed to predict the effect of missense changes on protein structure and function are either unavailable or do not agree on the potential impact of this missense change (SIFT: "Deleterious"; PolyPhen-2: "Probably Damaging"; Align-GVGD: "Class C0"). This variant has not been reported in the literature in individuals affected with CHRNE-related conditions. This variant is not present in population databases (gnomAD no frequency). This sequence change replaces histidine, which is basic and polar, with tyrosine, which is neutral and polar, at codon 336 of the CHRNE protein (p.His336Tyr).